The following is an entry in ClinVar:

NM_020949.3(SLC7A14):c.925del (p.Thr308_Leu309insTer)

Genes: SLC7A14 (solute carrier family 7 member 14; minus strand), SLC7A14-AS1 (SLC7A14 antisense RNA 1; plus strand). Cytogenetic location: 3q26.2.
Variant type: Deletion.
Coding change: c.925del on transcript NM_020949.3 (MANE Select); coding-DNA position 925, one base deleted (C; older notation c.925delC).
Protein change: p.Thr308_Leu309insTer.
Molecular consequence: nonsense.
Genome position (GRCh38, 1-based): chr3:170,483,504, G deleted on the plus strand (C on the coding strand, the reverse complement: SLC7A14 is on the minus strand). VCF-style (leftmost placement, unchanged base first): chr3-170483503-AG-A. GRCh37 (hg19) VCF-style: chr3-170201292-AG-A.
Identifiers: ClinVar variation 3656610 (VCV003656610.2).

ClinVar aggregate classification (germline): Uncertain significance (1 of 4 stars; one submission).

Submission:

Labcorp Genetics (formerly Invitae), Labcorp
Classification: Uncertain significance. Last evaluated: 2024-06-13. Review status: criteria provided, single submitter. Criteria: Invitae Variant Classification Sherloc (09022015). Collection method: clinical testing. Allele origin: germline.
Comment: This sequence change creates a premature translational stop signal (p.Leu309*) in the SLC7A14 gene. It is expected to result in an absent or disrupted protein product. However, the current clinical and genetic evidence is not sufficient to establish whether loss-of-function variants in SLC7A14 cause disease. This variant is not present in population databases (gnomAD no frequency). This variant has not been reported in the literature in individuals affected with SLC7A14-related conditions. In summary, the available evidence is currently insufficient to determine the role of this variant in disease. Therefore, it has been classified as a Variant of Uncertain Significance.